The following is an entry in ClinVar:

NM_002016.2(FLG):c.11941A>G (p.Ser3981Gly)

Genes: CCDST (cervical cancer associated DHX9 suppressive transcript; plus strand), FLG (filaggrin; minus strand). Cytogenetic location: 1q21.3.
Variant type: single nucleotide variant.
Coding change: c.11941A>G on transcript NM_002016.2 (MANE Select); coding-DNA position 11941, A replaced by G.
Protein change: p.Ser3981Gly; replaces serine 3981 with glycine.
Molecular consequence: missense variant.
Genome position (GRCh38, 1-based): chr1:152,302,945, T>C on the plus strand (A>G on the coding strand, the complement: FLG is on the minus strand). VCF-style: chr1-152302945-T-C. GRCh37 (hg19) VCF-style: chr1-152275421-T-C.
Other names: short protein forms S3981G.
Identifiers: ClinVar variation 2358391 (VCV002358391.23), dbSNP rs201092922, ClinGen allele CA1102743.

ClinVar aggregate classification (germline): Conflicting classifications of pathogenicity. Review status: criteria provided, conflicting classifications (1 of 4 stars). 2 submissions from 2 submitters: Uncertain significance (1); Likely benign (1). Last evaluated 2024-03-01.

Conditions:
Inborn genetic diseases. Identifiers: MedGen C0950123, MeSH D030342.

Allele frequency attached by ClinVar (database versions not stated): ESP Exome Variant Server 0.00015; 1000 Genomes Project 30x 0.00016; 1000 Genomes Project 0.00020; gnomAD 0.00021; gnomAD exomes 0.00021; ExAC 0.00027; TOPMed 0.00039.
gnomAD v4.1: 333 of 1,614,192 alleles (0.021%); highest among the groups gnomAD compares: Admixed American, 0.028%; no homozygotes.

Submissions (2):

CeGaT Center for Human Genetics Tuebingen
Classification: Likely benign. Last evaluated: 2024-03-01. Review status: criteria provided, single submitter. Criteria: CeGaT Center For Human Genetics Tuebingen Variant Classification Criteria Version 2. Collection method: clinical testing. Allele origin: germline. Affected: yes. Observed: 1 variant allele.
Comment: FLG: BP4

Ambry Genetics
Classification: Uncertain significance for Inborn genetic diseases. Last evaluated: 2022-11-01. Review status: criteria provided, single submitter. Criteria: Ambry Variant Classification Scheme 2023. Collection method: clinical testing. Allele origin: germline.